The following is an entry in ClinVar:

NM_000329.3(RPE65):c.595A>G (p.Asn199Asp)

Gene: RPE65 (retinoid isomerohydrolase RPE65; minus strand). Cytogenetic location: 1p31.3.
Variant type: single nucleotide variant.
Coding change: c.595A>G on transcript NM_000329.3 (MANE Select); coding-DNA position 595, A replaced by G.
Protein change: p.Asn199Asp; replaces asparagine 199 with aspartic acid.
Molecular consequence: missense variant.
Genome position (GRCh38, 1-based): chr1:68,440,901, T>C on the plus strand (A>G on the coding strand, the complement: RPE65 is on the minus strand). VCF-style: chr1-68440901-T-C. GRCh37 (hg19) VCF-style: chr1-68906584-T-C.
Other names: c.319A>G, p.Asn107Asp (NM_001406856.1, NM_001406857.1); c.595A>G, p.Asn199Asp (NM_001406859.1); c.487A>G, p.Asn163Asp (NM_001406853.1); short protein forms N107D, N163D, N199D.
Identifiers: ClinVar variation 3751578 (VCV003751578.2).

ClinVar aggregate classification (germline): Uncertain significance (1 of 4 stars; one submission).

Conditions:
Retinitis pigmentosa 20 (RP20). Identifiers: Orphanet 791, MedGen C3151086, MONDO:0013425, OMIM 613794.
Leber congenital amaurosis 2 (LCA2). Also called: AMAUROSIS CONGENITA OF LEBER II; Autosomal Recessive RPE65-Related Retinal Degeneration. Identifiers: Orphanet 65, MedGen C1859844, MONDO:0008765, OMIM 204100. Disease mechanism: loss of function.

gnomAD v4.1: 6 of 1,613,880 alleles (0.00037%); highest among the groups gnomAD compares: Admixed American, 0.0017%; no homozygotes.

Submission:

Labcorp Genetics (formerly Invitae), Labcorp
Classification: Uncertain significance for Leber congenital amaurosis 2; Retinitis pigmentosa 20. Last evaluated: 2024-04-09. Review status: criteria provided, single submitter. Criteria: Invitae Variant Classification Sherloc (09022015). Collection method: clinical testing. Allele origin: germline.
Comment: This sequence change replaces asparagine, which is neutral and polar, with aspartic acid, which is acidic and polar, at codon 199 of the RPE65 protein (p.Asn199Asp). This variant is present in population databases (rs772821305, gnomAD 0.0009%). This variant has not been reported in the literature in individuals affected with RPE65-related conditions. Advanced modeling of protein sequence and biophysical properties (such as structural, functional, and spatial information, amino acid conservation, physicochemical variation, residue mobility, and thermodynamic stability) performed at Invitae indicates that this missense variant is not expected to disrupt RPE65 protein function with a negative predictive value of 80%. In summary, the available evidence is currently insufficient to determine the role of this variant in disease. Therefore, it has been classified as a Variant of Uncertain Significance.